The following is an entry in ClinVar:

NM_024642.5(GALNT12):c.211C>A (p.Pro71Thr)

Gene: GALNT12 (polypeptide N-acetylgalactosaminyltransferase 12; plus strand). Cytogenetic location: 9q22.33.
Variant type: single nucleotide variant.
Coding change: c.211C>A on transcript NM_024642.5 (MANE Select); coding-DNA position 211, C replaced by A.
Protein change: p.Pro71Thr; replaces proline 71 with threonine.
Molecular consequence: missense variant.
Genome position (GRCh38, 1-based): chr9:98,807,909, C>A. VCF-style: chr9-98807909-C-A. GRCh37 (hg19) VCF-style: chr9-101570191-C-A.
Other names: short protein forms P71T.
Identifiers: ClinVar variation 1786219 (VCV001786219.3), dbSNP rs1301261419, ClinGen allele CA374222530.
Genomic context (GRCh38, chr9:98,807,909, plus strand): 5'-GGACCCCCGCGCACCCCGCGCCCCGGGCGGCGCGAGCCGGTCATGCCGCGGCCGCCGGTG[C>A]CGGCGAACGCGCTGGGCGCGCGGGGCGAGGCGGTGCGGCTGCAGCTGCAGGGCGAGGAGC-3'
Protein context (NP_078918.3, residues 61-81): REPVMPRPPV[Pro71Thr]ANALGARGEA

ClinVar aggregate classification (germline): Uncertain significance (1 of 4 stars; one submission).

Submission:

Ambry Genetics
Classification: Uncertain significance. Last evaluated: 2024-09-01. Review status: criteria provided, single submitter. Criteria: Ambry Variant Classification Scheme 2023. Collection method: clinical testing. Allele origin: germline.
Comment: The p.P71T variant (also known as c.211C>A), located in coding exon 1 of the GALNT12 gene, results from a C to A substitution at nucleotide position 211. The proline at codon 71 is replaced by threonine, an amino acid with highly similar properties. This amino acid position is conserved. In addition, this alteration is predicted to be tolerated by in silico analysis. Since supporting evidence is limited at this time, the clinical significance of this alteration remains unclear.